The following is an entry in ClinVar:

NM_014845.6(FIG4):c.1085A>T (p.Asp362Val)

Gene: FIG4 (FIG4 phosphoinositide 5-phosphatase; plus strand). Cytogenetic location: 6q21.
Variant type: single nucleotide variant.
Coding change: c.1085A>T on transcript NM_014845.6 (MANE Select); coding-DNA position 1085, A replaced by T.
Protein change: p.Asp362Val; replaces aspartic acid 362 with valine.
Molecular consequence: missense variant.
Genome position (GRCh38, 1-based): chr6:109,743,720, A>T. VCF-style: chr6-109743720-A-T. GRCh37 (hg19) VCF-style: chr6-110064923-A-T.
Other names: short protein forms D362V.
Identifiers: ClinVar variation 1014613 (VCV001014613.8), dbSNP rs1776394936, ClinGen allele CA365222361.

ClinVar aggregate classification (germline): Uncertain significance (1 of 4 stars; one submission).

Conditions:
Charcot-Marie-Tooth disease type 4. Also called: Charcot-Marie-Tooth disease, type IV; Charcot-Marie-Tooth, Type 4. Identifiers: Orphanet 64749, MedGen C4082197, MONDO:0018995.

Submission:

Labcorp Genetics (formerly Invitae), Labcorp
Classification: Uncertain significance for Charcot-Marie-Tooth disease type 4. Last evaluated: 2020-07-07. Review status: criteria provided, single submitter. Criteria: Invitae Variant Classification Sherloc (09022015). Collection method: clinical testing. Allele origin: germline.
Comment: This sequence change replaces aspartic acid with valine at codon 362 of the FIG4 protein (p.Asp362Val). The aspartic acid residue is moderately conserved and there is a large physicochemical difference between aspartic acid and valine. This variant is not present in population databases (ExAC no frequency). This variant has not been reported in the literature in individuals with FIG4-related conditions. Algorithms developed to predict the effect of missense changes on protein structure and function are either unavailable or do not agree on the potential impact of this missense change (SIFT: "Deleterious"; PolyPhen-2: "Possibly Damaging"; Align-GVGD: "Class C0"). In summary, the available evidence is currently insufficient to determine the role of this variant in disease. Therefore, it has been classified as a Variant of Uncertain Significance.